The following is an entry in ClinVar:

NM_007254.4(PNKP):c.1265_1289dup (p.Ser430fs)

Gene: PNKP (polynucleotide kinase 3'-phosphatase; minus strand). Cytogenetic location: 19q13.33.
Variant type: Duplication.
Coding change: c.1265_1289dup on transcript NM_007254.4 (MANE Select); coding-DNA positions 1265 to 1289, 25 bases duplicated (ACAACACAAACCCAGACGCCGCGAG).
Protein change: p.Ser430fs; shifts the reading frame from serine 430.
Molecular consequence: frameshift variant.
Genome position (GRCh38, 1-based): chr19:49,861,781-49,861,805, CTCGCGGCGTCTGGGTTTGTGTTGT duplicated on the plus strand (ACAACACAAACCCAGACGCCGCGAG on the coding strand, the reverse complement: PNKP is on the minus strand); duplicating any 25 consecutive bases within chr19:49,861,781-49,861,806 gives the same sequence; the c. name uses the placement nearest the transcript's 3' end. VCF-style (leftmost placement, unchanged base first): chr19-49861780-G-GCTCGCGGCGTCTGGGTTTGTGTTGT. GRCh37 (hg19) VCF-style: chr19-50365037-G-GCTCGCGGCGTCTGGGTTTGTGTTGT.
Other names: short protein forms S430fs.
Identifiers: ClinVar variation 2956232 (VCV002956232.3), dbSNP rs751675183, ClinGen allele CA9586486.

ClinVar aggregate classification (germline): Pathogenic (1 of 4 stars; one submission).

Conditions:
Developmental and epileptic encephalopathy, 12 (DEE12). Identifiers: MedGen C3150988, MONDO:0013389, OMIM 613722.

Submission:

Labcorp Genetics (formerly Invitae), Labcorp
Classification: Pathogenic for Developmental and epileptic encephalopathy, 12. Last evaluated: 2025-02-18. Review status: criteria provided, single submitter. Criteria: Invitae Variant Classification Sherloc (09022015). Collection method: clinical testing. Allele origin: germline.
Comment: This sequence change creates a premature translational stop signal (p.Ser430Argfs*72) in the PNKP gene. While this is not anticipated to result in nonsense mediated decay, it is expected to disrupt the last 92 amino acid(s) of the PNKP protein. This variant is present in population databases (rs751675183, gnomAD 0.02%). This variant has not been reported in the literature in individuals affected with PNKP-related conditions. ClinVar contains an entry for this variant (Variation ID: 2956232). This variant disrupts a region of the PNKP protein in which other variant(s) (p.Gln517*) have been determined to be pathogenic (PMID: 30039206). This suggests that this is a clinically significant region of the protein, and that variants that disrupt it are likely to be disease-causing. For these reasons, this variant has been classified as Pathogenic.

Literature cited by the submitters: PubMed 30039206.